The following is an entry in ClinVar:

ClinVar aggregate classification (germline): Uncertain significance. Review status: criteria provided, multiple submitters, no conflicts (2 of 4 stars). 5 submissions from 5 submitters: Uncertain significance (3). 2 of the submissions do not count toward it. Last evaluated 2026-02-25.

Conditions:
Cardiovascular phenotype. Identifiers: MedGen CN230736.
Cardiomyopathy (CMYO). Also called: Cardiomyopathies. Identifiers: Orphanet 167848, MedGen C0878544, MONDO:0004994, HP:0001638. Inheritance: Various modes of inheritance.
Hypertrophic cardiomyopathy 10. Also called: CARDIOMYOPATHY, HYPERTROPHIC, MID-LEFT VENTRICULAR CHAMBER TYPE, 2; MYL2-Related Familial Hypertrophic Cardiomyopathy. Identifiers: MedGen C1834460, MONDO:0012112, OMIM 608758.
Hypertrophic cardiomyopathy. Also called: HYPERTROPHIC MYOCARDIOPATHY. Identifiers: Orphanet 217569, MedGen C0007194, MeSH D002312, MONDO:0005045, HP:0001639.

Allele frequency attached by ClinVar (database versions not stated): gnomAD 0.00001; TOPMed below 0.00001.
gnomAD v4.1: 3 of 1,614,082 alleles (0.00019%); highest among the groups gnomAD compares: Non-Finnish European, 0.00025%; no homozygotes.

Submissions (5):

Ambry Genetics
Classification: Uncertain significance for Cardiovascular phenotype. Last evaluated: 2026-02-25. Review status: criteria provided, single submitter. Criteria: Ambry Variant Classification Scheme 2023. Collection method: clinical testing. Allele origin: germline.
Comment: The p.P95A variant (also known as c.283C>G), located in coding exon 5 of the MYL2 gene, results from a C to G substitution at nucleotide position 283. The proline at codon 95 is replaced by alanine, an amino acid with highly similar properties. This variant was reported in individual(s) with features consistent with MYL2- related disease (Poetter K et al. Nat Genet, 1996 May;13:63-9; Weterman MA et al. Brain, 2013 Jan;136:282-93). Functional studies suggest a change in calcium-binding affinity; however, additional evidence is needed to confirm these findings (Szczesna D et al. J Biol Chem, 2001 Mar;276:7086-92; Roopnarine O. Biophys J, 2003 Apr;84:2440-9; Szczesna-Cordary D et al. J Biol Chem, 2004 Jan;279:3535-42). This amino acid position is highly conserved in available vertebrate species. In addition, the in silico prediction for this alteration is inconclusive. Based on the available evidence, the clinical significance of this variant remains unclear.

Color Diagnostics, LLC DBA Color Health
Classification: Uncertain significance for Cardiomyopathy. Last evaluated: 2025-06-04. Review status: criteria provided, single submitter. Criteria: ACMG Guidelines, 2015. Collection method: clinical testing. Allele origin: germline.
Comment: This missense variant replaces proline with alanine at codon 95 of the MYL2 protein. Computational prediction tool is inconclusive regarding the impact of this variant on protein structure and function. Functional analysis of purified human proteins expressing this variant has shown a decrease in calcium binding affinity (PMID: 11102452)the clinical relevance of this observation is not known. This variant has been reported in an individual affected with hypertrophic cardiomyopathy (PMID: 8673105). This variant has not been identified in the general population by the Genome Aggregation Database (gnomAD). The available evidence is insufficient to determine the role of this variant in disease conclusively. Therefore, this variant is classified as a Variant of Uncertain Significance.

All of Us Research Program, National Institutes of Health
Classification: Uncertain significance for Hypertrophic cardiomyopathy. Last evaluated: 2023-10-06. Review status: criteria provided, single submitter. Criteria: ACMG Guidelines, 2015. Collection method: clinical testing. Allele origin: germline. Inheritance: Autosomal dominant inheritance. Observed: 1 variant allele, 1 heterozygote.
Comment: This missense variant replaces proline with alanine at codon 95 of the MYL2 protein. Computational prediction is inconclusive regarding the impact of this variant on protein structure and function (internally defined REVEL score threshold 0.5 < inconclusive < 0.7, PMID: 27666373). Functional analysis of purified human proteins expressing this variant has shown a decrease in calcium binding affinity (PMID: 11102452); the clinical relevance of this observation is not known. This variant has been reported in an individual affected with hypertrophic cardiomyopathy (PMID: 8673105). This variant has not been identified in the general population by the Genome Aggregation Database (gnomAD). The available evidence is insufficient to determine the role of this variant in disease conclusively. Therefore, this variant is classified as a Variant of Uncertain Significance.

This study involves interpretation of variants in research participants for the purpose of population health screening. Participant phenotype was not available at the time of variant classification. Additional details can be found in publication PMID: 35346344, PMCID: PMC8962531

Leiden Muscular Dystrophy (MYL2)
No classification provided. Condition: Familial hypertrophic cardiomyopathy 10. Last evaluated: 2012-03-26. Review status: no classification provided. Collection method: curation. Allele origin: germline. Not counted in ClinVar's aggregate classification.

OMIM
Classification: Pathogenic for CARDIOMYOPATHY, FAMILIAL HYPERTROPHIC, 10. Last evaluated: 1996-05-01. Review status: no assertion criteria provided. Collection method: literature only. Allele origin: germline. Not counted in ClinVar's aggregate classification.

Literature cited by the submitters: PubMed 11102452 (cited by 3 submitters); PubMed 12668451 (cited by Ambry Genetics); PubMed 14594949 (cited by Ambry Genetics); PubMed 23365102 (cited by Ambry Genetics); PubMed 8673105 (cited by 4 submitters).

NM_000432.4(MYL2):c.283C>G (p.Pro95Ala)

Gene: MYL2 (myosin light chain 2; minus strand). Cytogenetic location: 12q24.11.
Variant type: single nucleotide variant.
Coding change: c.283C>G on transcript NM_000432.4 (MANE Select); coding-DNA position 283, C replaced by G.
Protein change: p.Pro95Ala; replaces proline 95 with alanine.
Molecular consequence: missense variant.
Genome position (GRCh38, 1-based): chr12:110,913,316, G>C on the plus strand (C>G on the coding strand, the complement: MYL2 is on the minus strand). VCF-style: chr12-110913316-G-C. GRCh37 (hg19) VCF-style: chr12-111351120-G-C.
Other names: P94R; short protein forms P95A.
Identifiers: ClinVar variation 14066 (VCV000014066.6), dbSNP rs121913658, ClinGen allele CA010047.